The following is an entry in ClinVar:

ClinVar aggregate classification (germline): Uncertain significance (1 of 4 stars; one submission).

Conditions:
Duchenne muscular dystrophy (DMD). Also called: MUSCULAR DYSTROPHY, PSEUDOHYPERTROPHIC PROGRESSIVE, DUCHENNE TYPE; Duchenne Muscular Dystrophy (DMD). Identifiers: Orphanet 98896, MedGen C0013264, MONDO:0010679, OMIM 310200.

gnomAD v4.1: 1 of 1,210,180 alleles (0.000083%); highest among the groups gnomAD compares: Non-Finnish European, 0.00011%; no homozygotes.

Submission:

Labcorp Genetics (formerly Invitae), Labcorp
Classification: Uncertain significance for Duchenne muscular dystrophy. Last evaluated: 2025-08-22. Review status: criteria provided, single submitter. Criteria: Invitae Variant Classification Sherloc (09022015). Collection method: clinical testing. Allele origin: germline.
Comment: This sequence change replaces glutamic acid, which is acidic and polar, with glycine, which is neutral and non-polar, at codon 2604 of the DMD protein (p.Glu2604Gly). This variant is not present in population databases (gnomAD no frequency). This variant has not been reported in the literature in individuals affected with DMD-related conditions. Invitae Evidence Modeling of protein sequence and biophysical properties (such as structural, functional, and spatial information, amino acid conservation, physicochemical variation, residue mobility, and thermodynamic stability) indicates that this missense variant is not expected to disrupt DMD protein function with a negative predictive value of 95%. In summary, the available evidence is currently insufficient to determine the role of this variant in disease. Therefore, it has been classified as a Variant of Uncertain Significance.

NM_004006.3(DMD):c.7811A>G (p.Glu2604Gly)

Gene: DMD (dystrophin; minus strand). Cytogenetic location: Xp21.1.
Variant type: single nucleotide variant.
Coding change: c.7811A>G on transcript NM_004006.3 (MANE Select); coding-DNA position 7811, A replaced by G.
Protein change: p.Glu2604Gly; replaces glutamic acid 2604 with glycine.
Molecular consequence: missense variant.
Genome position (GRCh38, 1-based): chrX:31,679,436, T>C on the plus strand (A>G on the coding strand, the complement: DMD is on the minus strand). VCF-style: chrX-31679436-T-C. GRCh37 (hg19) VCF-style: chrX-31697553-T-C.
Other names: c.7787A>G, p.Glu2596Gly (NM_000109.4); c.7799A>G, p.Glu2600Gly (NM_004009.3); c.7442A>G, p.Glu2481Gly (NM_004010.3); c.3788A>G, p.Glu1263Gly (NM_004011.4); c.3779A>G, p.Glu1260Gly (NM_004012.4); c.431A>G, p.Glu144Gly (NM_004013.3, NM_004020.4, NM_004021.3 and 2 more transcripts); short protein forms E2481G, E2604G, E144G, E2596G, E1260G, E1263G, E2600G.
Identifiers: ClinVar variation 4697785 (VCV004697785.1).